The following is an entry in ClinVar:

ClinVar aggregate classification (germline): Likely benign. Review status: criteria provided, multiple submitters, no conflicts (2 of 4 stars). 5 submissions from 5 submitters: Likely benign (5). Last evaluated 2026-01-22.

Conditions:
Cardiovascular phenotype. Identifiers: MedGen CN230736.
Cardiac arrhythmia. Also called: Cardiac rhythm disease; Arrhythmia. Identifiers: MedGen C0003811, MONDO:0007263, HP:0011675.
Long QT syndrome (LQTS). Identifiers: MedGen C0023976, MeSH D008133, MONDO:0002442. Disease mechanism: loss of function. Inheritance: Various modes of inheritance.

Allele frequency attached by ClinVar (database versions not stated): gnomAD 0.00004 and 0.00005; ExAC 0.00005; TOPMed 0.00007.
gnomAD v4.1: 23 of 1,612,014 alleles (0.0014%); highest among the groups gnomAD compares: African/African-American, 0.016%; no homozygotes.

Submissions (5):

Labcorp Genetics (formerly Invitae), Labcorp
Classification: Likely benign for Long QT syndrome. Last evaluated: 2026-01-22. Review status: criteria provided, single submitter. Criteria: Invitae Variant Classification Sherloc (09022015). Collection method: clinical testing. Allele origin: germline.

All of Us Research Program, National Institutes of Health
Classification: Likely benign for Long QT syndrome. Last evaluated: 2023-12-01. Review status: criteria provided, single submitter. Criteria: ACMG Guidelines, 2015. Collection method: clinical testing. Allele origin: germline. Inheritance: Autosomal dominant inheritance. Observed: 5 variant alleles, 5 heterozygotes.
Comment: This study involves interpretation of variants in research participants for the purpose of population health screening. Participant phenotype was not available at the time of variant classification. Additional details can be found in publication PMID: 35346344, PMCID: PMC8962531

Ambry Genetics
Classification: Likely benign for Cardiovascular phenotype. Last evaluated: 2021-05-19. Review status: criteria provided, single submitter. Criteria: Ambry Variant Classification Scheme 2023. Collection method: clinical testing. Allele origin: germline.

Color Diagnostics, LLC DBA Color Health
Classification: Likely benign for Cardiac arrhythmia. Last evaluated: 2021-04-20. Review status: criteria provided, single submitter. Criteria: ACMG Guidelines, 2015. Collection method: clinical testing. Allele origin: germline.

GeneDx
Classification: Likely benign. Last evaluated: 2018-09-17. Review status: criteria provided, single submitter. Criteria: GeneDx Variant Classification Process June 2021. Collection method: clinical testing. Allele origin: germline. Affected: yes.

NM_000238.4(KCNH2):c.2931C>T (p.Cys977=)

Gene: KCNH2 (potassium voltage-gated channel subfamily H member 2; minus strand). Cytogenetic location: 7q36.1.
Variant type: single nucleotide variant.
Coding change: c.2931C>T on transcript NM_000238.4 (MANE Select); coding-DNA position 2931, C replaced by T.
Protein change: p.Cys977=; no amino-acid change (cysteine 977 retained).
Molecular consequence: synonymous variant.
Genome position (GRCh38, 1-based): chr7:150,947,640, G>A on the plus strand (C>T on the coding strand, the complement: KCNH2 is on the minus strand). VCF-style: chr7-150947640-G-A. GRCh37 (hg19) VCF-style: chr7-150644728-G-A.
Other names: c.1911C>T, p.Cys637= (NM_172057.3).
Identifiers: ClinVar variation 506591 (VCV000506591.27), dbSNP rs761585108, ClinGen allele CA035488.